The following is an entry in ClinVar:

NC_000009.12:g.(?_214957)_(368155_?)dup

Genes: DOCK8 (dedicator of cytokinesis 8; plus strand), DOCK8-AS1 (DOCK8 antisense RNA 1; minus strand). Cytogenetic location: 9p24.3.
Variant type: Duplication.
Identifiers: ClinVar variation 832714 (VCV000832714.10).

ClinVar aggregate classification (germline): Uncertain significance (1 of 4 stars; one submission).

Conditions:
Hyper-IgE recurrent infection syndrome 3, autosomal recessive. Also called: Autosomal recessive hyper-IgE syndrome due to ZNF341 deficiency; HYPER-IgE SYNDROME 3, AUTOSOMAL RECESSIVE, WITH RECURRENT INFECTIONS. Identifiers: Orphanet 641368, MedGen C4748969, MONDO:0032654, OMIM 618282.

Submission:

Labcorp Genetics (formerly Invitae), Labcorp
Classification: Uncertain significance for Combined immunodeficiency due to DOCK8 deficiency. Last evaluated: 2023-08-30. Review status: criteria provided, single submitter. Criteria: Invitae Variant Classification Sherloc (09022015). Collection method: clinical testing. Allele origin: germline.
Comment: In summary, the available evidence is currently insufficient to determine the role of this variant in disease. Therefore, it has been classified as a Variant of Uncertain Significance. This variant has not been reported in the literature in individuals affected with DOCK8-related conditions. This variant results in a copy number gain of the genomic region encompassing exon(s) 1-15 of the DOCK8 gene. This region includes the initiator codon of the gene. This copy number gain extends beyond the assayed region for this gene and therefore may encompass additional genes. As the precise location of this event is unknown, it may be in tandem or it may be located elsewhere in the genome.